The following is an entry in ClinVar:

ClinVar aggregate classification (germline): Uncertain significance. Review status: criteria provided, multiple submitters, no conflicts (2 of 4 stars). 2 submissions from 2 submitters: Uncertain significance (2). Last evaluated 2025-05-07.

Allele frequency attached by ClinVar (database versions not stated): gnomAD 0.00008; TOPMed 0.00013.
gnomAD v4.1: 29 of 1,549,772 alleles (0.0019%); highest among the groups gnomAD compares: African/African-American, 0.022%; no homozygotes.

Submissions (2):

Women's Health and Genetics/Laboratory Corporation of America, LabCorp
Classification: Uncertain significance. Last evaluated: 2025-05-07. Review status: criteria provided, single submitter. Criteria: LabCorp Variant Classification Summary - May 2015. Collection method: clinical testing. Allele origin: germline.
Comment: Variant summary: ZNF469 c.7979G>A (p.Arg2660His) results in a non-conservative amino acid change in the encoded protein sequence. Algorithms developed to predict the effect of missense changes on protein structure and function are either unavailable or do not agree on the potential impact of this missense change. The variant allele was found at a frequency of 2e-05 in 152912 control chromosomes. The available data on variant occurrences in the general population are insufficient to allow any conclusion about variant significance. To our knowledge, no occurrence of c.7979G>A in individuals affected with Brittle cornea syndrome 1 and no experimental evidence demonstrating its impact on protein function have been reported. ClinVar contains an entry for this variant (Variation ID: 2140424). Based on the evidence outlined above, the variant was classified as uncertain significance.

Labcorp Genetics (formerly Invitae), Labcorp
Classification: Uncertain significance. Last evaluated: 2022-09-27. Review status: criteria provided, single submitter. Criteria: Invitae Variant Classification Sherloc (09022015). Collection method: clinical testing. Allele origin: germline.
Comment: This sequence change replaces arginine, which is basic and polar, with histidine, which is basic and polar, at codon 2632 of the ZNF469 protein (p.Arg2632His). This variant is present in population databases (no rsID available, gnomAD 0.02%). This variant has not been reported in the literature in individuals affected with ZNF469-related conditions. Algorithms developed to predict the effect of missense changes on protein structure and function (SIFT, PolyPhen-2, Align-GVGD) all suggest that this variant is likely to be tolerated. In summary, the available evidence is currently insufficient to determine the role of this variant in disease. Therefore, it has been classified as a Variant of Uncertain Significance.

NM_001367624.2(ZNF469):c.7979G>A (p.Arg2660His)

Gene: ZNF469 (zinc finger protein 469; plus strand). Cytogenetic location: 16q24.2.
Variant type: single nucleotide variant.
Coding change: c.7979G>A on transcript NM_001367624.2 (MANE Select); coding-DNA position 7979, G replaced by A.
Protein change: p.Arg2660His; replaces arginine 2660 with histidine.
Molecular consequence: missense variant.
Genome position (GRCh38, 1-based): chr16:88,435,449, G>A. VCF-style: chr16-88435449-G-A. GRCh37 (hg19) VCF-style: chr16-88501857-G-A.
Other names: short protein forms R2660H.
Identifiers: ClinVar variation 2140424 (VCV002140424.2), dbSNP rs1031872807, ClinGen allele CA286383341.